The following is an entry in ClinVar:

ClinVar aggregate classification (germline): Uncertain significance (1 of 4 stars; one submission).

Conditions:
Hearing loss, autosomal recessive 119. Also called: DEAFNESS, AUTOSOMAL RECESSIVE 119. Identifiers: MedGen C5562023, MONDO:0030480, OMIM 619615.
Neurodevelopmental disorder with hearing loss and spasticity. Identifiers: Orphanet 659975, MedGen C5562024, MONDO:0859206, OMIM 619616.

gnomAD v4.1: 1 of 1,460,570 alleles (0.000068%); highest among the groups gnomAD compares: Non-Finnish European, 0.000089%; no homozygotes.

Submission:

Juno Genomics, Hangzhou Juno Genomics, Inc
Classification: Uncertain significance for Hearing loss, autosomal recessive 119; Neurodevelopmental disorder with hearing loss and spasticity. Review status: criteria provided, single submitter. Criteria: ACMG Guidelines, 2015. Collection method: clinical testing. Allele origin: germline.
Comment: Absent from controls (or at extremely low frequency if recessive) in Genome Aggregation Database.;Multiple lines of computational evidence support a deleterious effect on the gene or gene product.

NM_024063.3(AFG2B):c.760G>A (p.Val254Met)

Gene: AFG2B (AAA ATPase AFG2B; plus strand). Cytogenetic location: 15q21.1.
Variant type: single nucleotide variant.
Coding change: c.760G>A on transcript NM_024063.3 (MANE Select); coding-DNA position 760, G replaced by A.
Protein change: p.Val254Met; replaces valine 254 with methionine.
Molecular consequence: missense variant. On other transcripts: non-coding transcript variant (5).
Genome position (GRCh38, 1-based): chr15:45,403,189, G>A. VCF-style: chr15-45403189-G-A. GRCh37 (hg19) VCF-style: chr15-45695387-G-A.
Other names: c.760G>A, p.Val254Met (NM_001323640.2); short protein forms V254M.
Identifiers: ClinVar variation 5037983 (VCV005037983.2).